The following is an entry in ClinVar:

ClinVar aggregate classification (germline): Uncertain significance (1 of 4 stars; one submission).

Conditions:
Nemaline myopathy 8 (NEM8). Also called: Nemaline myopathy 8, autosomal recessive. Identifiers: Orphanet 171430, MedGen C3809209, MONDO:0014138, OMIM 615348.

Allele frequency attached by ClinVar (database versions not stated): gnomAD exomes below 0.00001.

Submission:

Labcorp Genetics (formerly Invitae), Labcorp
Classification: Uncertain significance for Nemaline myopathy 8. Last evaluated: 2022-07-12. Review status: criteria provided, single submitter. Criteria: Invitae Variant Classification Sherloc (09022015). Collection method: clinical testing. Allele origin: germline.
Comment: This sequence change replaces threonine, which is neutral and polar, with isoleucine, which is neutral and non-polar, at codon 533 of the KLHL40 protein (p.Thr533Ile). In summary, the available evidence is currently insufficient to determine the role of this variant in disease. Therefore, it has been classified as a Variant of Uncertain Significance. Algorithms developed to predict the effect of missense changes on protein structure and function (SIFT, PolyPhen-2, Align-GVGD) all suggest that this variant is likely to be tolerated. ClinVar contains an entry for this variant (Variation ID: 1466812). This variant has not been reported in the literature in individuals affected with KLHL40-related conditions. This variant is not present in population databases (gnomAD no frequency).

NM_152393.4(KLHL40):c.1598C>T (p.Thr533Ile)

Gene: KLHL40 (kelch like family member 40; plus strand). Cytogenetic location: 3p22.1.
Variant type: single nucleotide variant.
Coding change: c.1598C>T on transcript NM_152393.4 (MANE Select); coding-DNA position 1598, C replaced by T.
Protein change: p.Thr533Ile; replaces threonine 533 with isoleucine.
Molecular consequence: missense variant.
Genome position (GRCh38, 1-based): chr3:42,689,045, C>T. VCF-style: chr3-42689045-C-T. GRCh37 (hg19) VCF-style: chr3-42730537-C-T.
Other names: short protein forms T533I.
Identifiers: ClinVar variation 1466812 (VCV001466812.8), dbSNP rs2125845619, ClinGen allele CA352295037.